The following is an entry in ClinVar:

ClinVar aggregate classification (germline): Uncertain significance (1 of 4 stars; one submission).

Allele frequency attached by ClinVar (database versions not stated): gnomAD exomes 0.00001.
gnomAD v4.1: 17 of 1,614,200 alleles (0.0011%); highest among the groups gnomAD compares: Non-Finnish European, 0.0013%; no homozygotes.

Submission:

CeGaT Center for Human Genetics Tuebingen
Classification: Uncertain significance. Last evaluated: 2024-05-01. Review status: criteria provided, single submitter. Criteria: CeGaT Center For Human Genetics Tuebingen Variant Classification Criteria Version 2. Collection method: clinical testing. Allele origin: germline. Affected: yes. Observed: 1 variant allele.
Comment: CHAMP1: PM2, BP4

NM_032436.4(CHAMP1):c.85G>A (p.Val29Ile)

Gene: CHAMP1 (chromosome alignment maintaining phosphoprotein 1; plus strand). Cytogenetic location: 13q34.
Variant type: single nucleotide variant.
Coding change: c.85G>A on transcript NM_032436.4 (MANE Select); coding-DNA position 85, G replaced by A.
Protein change: p.Val29Ile; replaces valine 29 with isoleucine.
Molecular consequence: missense variant.
Genome position (GRCh38, 1-based): chr13:114,323,927, G>A. VCF-style: chr13-114323927-G-A. GRCh37 (hg19) VCF-style: chr13-115089402-G-A.
Other names: c.85G>A, p.Val29Ile (NM_001164144.3, NM_001164145.3); short protein forms V29I.
Identifiers: ClinVar variation 3239594 (VCV003239594.19), dbSNP rs2139418101.
Genomic context (GRCh38, chr13:114,323,927, plus strand): 5'-AAACCATCAGCACGTTTGGAGTGTGACCATTGCAGTTTCAGAGGCACAGACTATGAAAAT[G>A]TACAAATCCATATGGGTACCATCCATCCAGAATTTTGTGATGAAATGGATGCTGGTGGGC-3'
Protein context (NP_115812.1, residues 19-39): CSFRGTDYEN[Val29Ile]QIHMGTIHPE